The following is an entry in ClinVar:

ClinVar aggregate classification (germline): Uncertain significance (1 of 4 stars; one submission).

Conditions:
Immunodeficiency, common variable, 10. Also called: IMMUNODEFICIENCY, COMMON VARIABLE, WITH CENTRAL ADRENAL INSUFFICIENCY; DEFICIT IN ANTERIOR PITUITARY FUNCTION AND VARIABLE IMMUNODEFICIENCY. Identifiers: MedGen C3809991, MONDO:0014260, OMIM 615577.

Allele frequency attached by ClinVar (database versions not stated): gnomAD exomes below 0.00001.
gnomAD v4.1: 5 of 1,570,794 alleles (0.00032%); highest among the groups gnomAD compares: Non-Finnish European, 0.00043%; no homozygotes.

Submission:

Labcorp Genetics (formerly Invitae), Labcorp
Classification: Uncertain significance for Immunodeficiency, common variable, 10. Last evaluated: 2022-03-20. Review status: criteria provided, single submitter. Criteria: Invitae Variant Classification Sherloc (09022015). Collection method: clinical testing. Allele origin: germline.
Comment: This sequence change replaces glycine, which is neutral and non-polar, with arginine, which is basic and polar, at codon 826 of the NFKB2 protein (p.Gly826Arg). This variant is not present in population databases (gnomAD no frequency). This variant has not been reported in the literature in individuals affected with NFKB2-related conditions. Algorithms developed to predict the effect of missense changes on protein structure and function are either unavailable or do not agree on the potential impact of this missense change (SIFT: "Deleterious"; PolyPhen-2: "Probably Damaging"; Align-GVGD: "Class C0"). In summary, the available evidence is currently insufficient to determine the role of this variant in disease. Therefore, it has been classified as a Variant of Uncertain Significance.

NM_001322934.2(NFKB2):c.2476G>A (p.Gly826Arg)

Gene: NFKB2 (nuclear factor kappa B subunit 2; plus strand). Cytogenetic location: 10q24.32.
Variant type: single nucleotide variant.
Coding change: c.2476G>A on transcript NM_001322934.2 (MANE Select); coding-DNA position 2476, G replaced by A.
Protein change: p.Gly826Arg; replaces glycine 826 with arginine.
Molecular consequence: missense variant.
Genome position (GRCh38, 1-based): chr10:102,402,057, G>A. VCF-style: chr10-102402057-G-A. GRCh37 (hg19) VCF-style: chr10-104161814-G-A.
Other names: c.2476G>A, p.Gly826Arg (NM_001077493.1, NM_001077494.3, NM_001261403.3 and 2 more transcripts); c.2350G>A, p.Gly784Arg (NM_001322935.1); short protein forms G784R, G826R.
Identifiers: ClinVar variation 2111427 (VCV002111427.4), dbSNP rs1401571962, ClinGen allele CA377905989.